The following is an entry in ClinVar:

NM_000094.4(COL7A1):c.6356C>T (p.Pro2119Leu)

Gene: COL7A1 (collagen type VII alpha 1 chain; minus strand). Cytogenetic location: 3p21.31.
Variant type: single nucleotide variant.
Coding change: c.6356C>T on transcript NM_000094.4 (MANE Select); coding-DNA position 6356, C replaced by T.
Protein change: p.Pro2119Leu; replaces proline 2119 with leucine.
Molecular consequence: missense variant.
Genome position (GRCh38, 1-based): chr3:48,574,714, G>A on the plus strand (C>T on the coding strand, the complement: COL7A1 is on the minus strand). VCF-style: chr3-48574714-G-A. GRCh37 (hg19) VCF-style: chr3-48612147-G-A.
Other names: short protein forms P2119L.
Identifiers: ClinVar variation 2140486 (VCV002140486.3), dbSNP rs763272653, ClinGen allele CA2379088.

ClinVar aggregate classification (germline): Uncertain significance. Review status: criteria provided, multiple submitters, no conflicts (2 of 4 stars). 2 submissions from 2 submitters: Uncertain significance (2). Last evaluated 2026-01-04.

Allele frequency attached by ClinVar (database versions not stated): gnomAD 0.00001; TOPMed 0.00001; gnomAD exomes 0.00003; ExAC 0.00007.
gnomAD v4.1: 46 of 1,613,836 alleles (0.0029%); highest among the groups gnomAD compares: South Asian, 0.011%; no homozygotes.

Submissions (2):

Labcorp Genetics (formerly Invitae), Labcorp
Classification: Uncertain significance. Last evaluated: 2026-01-04. Review status: criteria provided, single submitter. Criteria: Invitae Variant Classification Sherloc (09022015). Collection method: clinical testing. Allele origin: germline.
Comment: This sequence change replaces proline, which is neutral and non-polar, with leucine, which is neutral and non-polar, at codon 2119 of the COL7A1 protein (p.Pro2119Leu). This variant is present in population databases (rs763272653, gnomAD 0.03%). This variant has not been reported in the literature in individuals affected with COL7A1-related conditions. ClinVar contains an entry for this variant (Variation ID: 2140486). Invitae Evidence Modeling of protein sequence and biophysical properties (such as structural, functional, and spatial information, amino acid conservation, physicochemical variation, residue mobility, and thermodynamic stability) has been performed for this missense variant. However, the output from this modeling did not meet the statistical confidence thresholds required to predict the impact of this variant on COL7A1 protein function. In summary, the available evidence is currently insufficient to determine the role of this variant in disease. Therefore, it has been classified as a Variant of Uncertain Significance.

GeneDx
Classification: Uncertain significance. Last evaluated: 2025-03-10. Review status: criteria provided, single submitter. Criteria: GeneDx Variant Classification Process June 2021. Collection method: clinical testing. Allele origin: germline. Affected: yes.
Comment: Has not been previously published as pathogenic or benign to our knowledge; In silico analysis supports that this missense variant has a deleterious effect on protein structure/function